The following is an entry in ClinVar:

NM_001572.5(IRF7):c.1051C>T (p.Arg351Trp)

Gene: IRF7 (interferon regulatory factor 7; minus strand). Cytogenetic location: 11p15.5.
Variant type: single nucleotide variant.
Coding change: c.1051C>T on transcript NM_001572.5 (MANE Select); coding-DNA position 1051, C replaced by T.
Protein change: p.Arg351Trp; replaces arginine 351 with tryptophan.
Molecular consequence: missense variant.
Genome position (GRCh38, 1-based): chr11:613,392, G>A on the plus strand (C>T on the coding strand, the complement: IRF7 is on the minus strand). VCF-style: chr11-613392-G-A. GRCh37 (hg19) VCF-style: chr11-613392-G-A.
Other names: c.964C>T, p.Arg322Trp (NM_004029.4); c.1090C>T, p.Arg364Trp (NM_004031.4); short protein forms R364W, R322W, R351W.
Identifiers: ClinVar variation 858896 (VCV000858896.11), dbSNP rs746541898, ClinGen allele CA5783597.
Genomic context (GRCh38, chr11:613,392, plus strand): 5'-TGCGCCGGGCCCACAGCTGTGGCCCCCGAAGCTCCAGGTGCAACCCAGGGGCCACGTGCC[G>A]CAGCAGTTCCTCCGTGTAGCGCAGCTGCTTCTGGTCCGGGAGCTCGGCAGGGCTGGGGAA-3'
Protein context (NP_001563.2, residues 341-361): KQLRYTEELL[Arg351Trp]HVAPGLHLEL

ClinVar aggregate classification (germline): Uncertain significance. Review status: criteria provided, multiple submitters, no conflicts (2 of 4 stars). 2 submissions from 2 submitters: Uncertain significance (2). Last evaluated 2026-01-18.

Conditions:
Immunodeficiency 39 (IMD39). Identifiers: Orphanet 574918, MedGen C4225358, MONDO:0014597, OMIM 616345.

Allele frequency attached by ClinVar (database versions not stated): gnomAD 0.00001; TOPMed 0.00001.
gnomAD v4.1: 14 of 1,596,480 alleles (0.00088%); highest among the groups gnomAD compares: African/African-American, 0.0014%; no homozygotes.

Submissions (2):

Labcorp Genetics (formerly Invitae), Labcorp
Classification: Uncertain significance for Immunodeficiency 39. Last evaluated: 2026-01-18. Review status: criteria provided, single submitter. Criteria: Invitae Variant Classification Sherloc (09022015). Collection method: clinical testing. Allele origin: germline.
Comment: This sequence change replaces arginine, which is basic and polar, with tryptophan, which is neutral and slightly polar, at codon 364 of the IRF7 protein (p.Arg364Trp). This variant is present in population databases (rs746541898, gnomAD 0.004%). This variant has not been reported in the literature in individuals affected with IRF7-related conditions. ClinVar contains an entry for this variant (Variation ID: 858896). Invitae Evidence Modeling of protein sequence and biophysical properties (such as structural, functional, and spatial information, amino acid conservation, physicochemical variation, residue mobility, and thermodynamic stability) indicates that this missense variant is not expected to disrupt IRF7 protein function with a negative predictive value of 80%. In summary, the available evidence is currently insufficient to determine the role of this variant in disease. Therefore, it has been classified as a Variant of Uncertain Significance.

Ambry Genetics
Classification: Uncertain significance. Last evaluated: 2025-09-21. Review status: criteria provided, single submitter. Criteria: Ambry Variant Classification Scheme 2023. Collection method: clinical testing. Allele origin: germline.